The following is an entry in ClinVar:

ClinVar aggregate classification (germline): Uncertain significance. Review status: criteria provided, multiple submitters, no conflicts (2 of 4 stars). 2 submissions from 2 submitters: Uncertain significance (2). Last evaluated 2025-08-07.

Conditions:
Inborn genetic diseases. Identifiers: MedGen C0950123, MeSH D030342.

gnomAD v4.1: 48 of 1,608,202 alleles (0.003%); highest among the groups gnomAD compares: African/African-American, 0.004%; no homozygotes.

Submissions (2):

GeneDx
Classification: Uncertain significance. Last evaluated: 2025-08-07. Review status: criteria provided, single submitter. Criteria: GeneDx Variant Classification Process June 2021. Collection method: clinical testing. Allele origin: germline. Affected: yes.
Comment: Not observed at significant frequency in large population cohorts (gnomAD); In silico analysis suggests that this missense variant does not alter protein structure/function; Has not been previously published as pathogenic or benign to our knowledge

Ambry Genetics
Classification: Uncertain significance for Inborn genetic diseases. Last evaluated: 2025-01-20. Review status: criteria provided, single submitter. Criteria: Ambry Variant Classification Scheme 2023. Collection method: clinical testing. Allele origin: germline.

NM_133259.4(LRPPRC):c.1172C>T (p.Thr391Ile)

Gene: LRPPRC (leucine rich pentatricopeptide repeat containing; minus strand). Cytogenetic location: 2p21.
Variant type: single nucleotide variant.
Coding change: c.1172C>T on transcript NM_133259.4 (MANE Select); coding-DNA position 1172, C replaced by T.
Protein change: p.Thr391Ile; replaces threonine 391 with isoleucine.
Molecular consequence: missense variant.
Genome position (GRCh38, 1-based): chr2:43,973,884, G>A on the plus strand (C>T on the coding strand, the complement: LRPPRC is on the minus strand). VCF-style: chr2-43973884-G-A. GRCh37 (hg19) VCF-style: chr2-44201023-G-A.
Other names: short protein forms T391I.
Identifiers: ClinVar variation 3868281 (VCV003868281.2).
Genomic context (GRCh38, chr2:43,973,884, plus strand): 5'-AGGGTGAACTGCAGAGGAAAGGAGTGCATCTGGACTTCCTTTAACTTCTTACAGTAGTCT[G>A]TTAGCTTCTCCACAGGCTGTGGGAAAAAAGTCACCACATTAGCTGGATTGGCAAACACCC-3'
Protein context (NP_573566.2, residues 381-401): VTMNTPVEKL[Thr391Ile]DYCKKLKEVQ